The following is an entry in ClinVar:

NM_002693.3(POLG):c.832A>G (p.Ile278Val)

Gene: POLG (DNA polymerase gamma, catalytic subunit; minus strand). Cytogenetic location: 15q26.1.
Variant type: single nucleotide variant.
Coding change: c.832A>G on transcript NM_002693.3 (MANE Select); coding-DNA position 832, A replaced by G.
Protein change: p.Ile278Val; replaces isoleucine 278 with valine.
Molecular consequence: missense variant.
Genome position (GRCh38, 1-based): chr15:89,330,104, T>C on the plus strand (A>G on the coding strand, the complement: POLG is on the minus strand). VCF-style: chr15-89330104-T-C. GRCh37 (hg19) VCF-style: chr15-89873335-T-C.
Other names: c.832A>G, p.Ile278Val (NM_001126131.2); short protein forms I278V.
Identifiers: ClinVar variation 2723781 (VCV002723781.1), dbSNP rs1017553012, ClinGen allele CA274560120.

ClinVar aggregate classification (germline): Uncertain significance (1 of 4 stars; one submission).

Conditions:
Progressive sclerosing poliodystrophy (MTDPS4A). Also called: ALPERS PROGRESSIVE INFANTILE POLIODYSTROPHY; NEURONAL DEGENERATION OF CHILDHOOD WITH LIVER DISEASE, PROGRESSIVE; Alpers Syndrome; ALPERS DIFFUSE DEGENERATION OF CEREBRAL GRAY MATTER WITH HEPATIC CIRRHOSIS; Alpers-Huttenlocher Syndrome; Mitochondrial DNA depletion syndrome 4A (Alpers type). Identifiers: Orphanet 726, MedGen C0205710, MONDO:0008758, OMIM 203700.

Allele frequency attached by ClinVar (database versions not stated): TOPMed below 0.00001; gnomAD 0.00001; gnomAD exomes 0.00001.
gnomAD v4.1: 12 of 1,614,042 alleles (0.00074%); highest among the groups gnomAD compares: Non-Finnish European, 0.001%; no homozygotes.

Submission:

Labcorp Genetics (formerly Invitae), Labcorp
Classification: Uncertain significance for Progressive sclerosing poliodystrophy. Last evaluated: 2023-07-30. Review status: criteria provided, single submitter. Criteria: Invitae Variant Classification Sherloc (09022015). Collection method: clinical testing. Allele origin: germline.
Comment: In summary, the available evidence is currently insufficient to determine the role of this variant in disease. Therefore, it has been classified as a Variant of Uncertain Significance. Advanced modeling of protein sequence and biophysical properties (such as structural, functional, and spatial information, amino acid conservation, physicochemical variation, residue mobility, and thermodynamic stability) performed at Invitae indicates that this missense variant is not expected to disrupt POLG protein function. This variant has not been reported in the literature in individuals affected with POLG-related conditions. This variant is present in population databases (no rsID available, gnomAD 0.0009%). This sequence change replaces isoleucine, which is neutral and non-polar, with valine, which is neutral and non-polar, at codon 278 of the POLG protein (p.Ile278Val).